The following is an entry in ClinVar:

ClinVar aggregate classification (germline): Uncertain significance (1 of 4 stars; one submission).

Conditions:
Hypertrophic cardiomyopathy. Also called: HYPERTROPHIC MYOCARDIOPATHY. Identifiers: Orphanet 217569, MedGen C0007194, MeSH D002312, MONDO:0005045, HP:0001639.

Allele frequency attached by ClinVar (database versions not stated): gnomAD exomes below 0.00001.
gnomAD v4.1: 1 of 1,599,810 alleles (0.000063%); highest among the groups gnomAD compares: African/African-American, 0.0013%; no homozygotes.

Submission:

Labcorp Genetics (formerly Invitae), Labcorp
Classification: Uncertain significance for Hypertrophic cardiomyopathy. Last evaluated: 2025-04-17. Review status: criteria provided, single submitter. Criteria: Invitae Variant Classification Sherloc (09022015). Collection method: clinical testing. Allele origin: germline.
Comment: This sequence change falls in intron 29 of the MYBPC3 gene. It does not directly change the encoded amino acid sequence of the MYBPC3 protein. It affects a nucleotide within the consensus splice site. This variant is not present in population databases (gnomAD no frequency). This variant has not been reported in the literature in individuals affected with MYBPC3-related conditions. ClinVar contains an entry for this variant (Variation ID: 1513066). Variants that disrupt the consensus splice site are a relatively common cause of aberrant splicing (PMID: 17576681, 9536098). Algorithms developed to predict the effect of sequence changes on RNA splicing suggest that this variant may disrupt the consensus splice site. In summary, the available evidence is currently insufficient to determine the role of this variant in disease. Therefore, it has been classified as a Variant of Uncertain Significance.

Literature cited by the submitters: PubMed 17576681; PubMed 9536098.

NM_000256.3(MYBPC3):c.3190+6T>A

Gene: MYBPC3 (myosin binding protein C3; minus strand). Cytogenetic location: 11p11.2.
Variant type: single nucleotide variant.
Coding change: c.3190+6T>A on transcript NM_000256.3 (MANE Select); 6 bases into the intron after coding-DNA position 3190, T replaced by A.
Molecular consequence: intron variant.
Genome position (GRCh38, 1-based): chr11:47,333,551, A>T on the plus strand (T>A on the coding strand, the complement: MYBPC3 is on the minus strand). VCF-style: chr11-47333551-A-T. GRCh37 (hg19) VCF-style: chr11-47355102-A-T.
Identifiers: ClinVar variation 1513066 (VCV001513066.6), dbSNP rs2142851301, ClinGen allele CA2573146368.